The following is an entry in ClinVar:

ClinVar aggregate classification (germline): Uncertain significance (1 of 4 stars; one submission).

Conditions:
Kleefstra syndrome 1 (KLEFS1). Identifiers: Orphanet 261494, MedGen C0795833, MONDO:0027407, OMIM 610253.

Allele frequency attached by ClinVar (database versions not stated): gnomAD 0.00001; TOPMed 0.00002; gnomAD exomes 0.00003; ExAC 0.00002.
gnomAD v4.1: 21 of 1,612,062 alleles (0.0013%); highest among the groups gnomAD compares: Non-Finnish European, 0.0017%; no homozygotes.

Submission:

Labcorp Genetics (formerly Invitae), Labcorp
Classification: Uncertain significance for Kleefstra syndrome 1. Last evaluated: 2024-09-30. Review status: criteria provided, single submitter. Criteria: Invitae Variant Classification Sherloc (09022015). Collection method: clinical testing. Allele origin: germline.
Comment: This sequence change replaces threonine, which is neutral and polar, with serine, which is neutral and polar, at codon 1229 of the EHMT1 protein (p.Thr1229Ser). This variant is present in population databases (rs760036184, gnomAD 0.004%). This variant has not been reported in the literature in individuals affected with EHMT1-related conditions. ClinVar contains an entry for this variant (Variation ID: 2063542). Invitae Evidence Modeling of protein sequence and biophysical properties (such as structural, functional, and spatial information, amino acid conservation, physicochemical variation, residue mobility, and thermodynamic stability) indicates that this missense variant is not expected to disrupt EHMT1 protein function with a negative predictive value of 80%. In summary, the available evidence is currently insufficient to determine the role of this variant in disease. Therefore, it has been classified as a Variant of Uncertain Significance.

NM_024757.5(EHMT1):c.3686C>G (p.Thr1229Ser)

Gene: EHMT1 (euchromatic histone lysine methyltransferase 1; plus strand). Cytogenetic location: 9q34.3.
Variant type: single nucleotide variant.
Coding change: c.3686C>G on transcript NM_024757.5 (MANE Select); coding-DNA position 3686, C replaced by G.
Protein change: p.Thr1229Ser; replaces threonine 1229 with serine.
Molecular consequence: missense variant.
Genome position (GRCh38, 1-based): chr9:137,834,494, C>G. VCF-style: chr9-137834494-C-G. GRCh37 (hg19) VCF-style: chr9-140728946-C-G.
Other names: c.3665C>G, p.Thr1222Ser (NM_001354263.2); short protein forms T1222S, T1229S.
Identifiers: ClinVar variation 2063542 (VCV002063542.4), dbSNP rs760036184, ClinGen allele CA5375415.